The following is an entry in ClinVar:

NM_003664.5(AP3B1):c.1219C>T (p.Arg407Ter)

Gene: AP3B1 (adaptor related protein complex 3 subunit beta 1; minus strand). Cytogenetic location: 5q14.1.
Variant type: single nucleotide variant.
Coding change: c.1219C>T on transcript NM_003664.5 (MANE Select); coding-DNA position 1219, C replaced by T.
Protein change: p.Arg407Ter; replaces arginine 407 with a stop codon.
Molecular consequence: nonsense.
Genome position (GRCh38, 1-based): chr5:78,165,621, G>A on the plus strand (C>T on the coding strand, the complement: AP3B1 is on the minus strand). VCF-style: chr5-78165621-G-A. GRCh37 (hg19) VCF-style: chr5-77461445-G-A.
Other names: c.1072C>T, p.Arg358Ter (NM_001271769.2); c.1219C>T, p.Arg407Ter (NM_001410752.1); short protein forms R358*, R407*.
Identifiers: ClinVar variation 4763879 (VCV004763879.1).

ClinVar aggregate classification (germline): Pathogenic (1 of 4 stars; one submission).

Conditions:
Hermansky-Pudlak syndrome 2 (HPS2). Also called: Platelet defects and oculocutaneous albinism. Identifiers: Orphanet 183678, Orphanet 79430, MedGen C1842362, MONDO:0011997, OMIM 608233.

Submission:

Labcorp Genetics (formerly Invitae), Labcorp
Classification: Pathogenic for Hermansky-Pudlak syndrome 2. Last evaluated: 2025-02-08. Review status: criteria provided, single submitter. Criteria: Invitae Variant Classification Sherloc (09022015). Collection method: clinical testing. Allele origin: germline.
Comment: This sequence change creates a premature translational stop signal (p.Arg407*) in the AP3B1 gene. It is expected to result in an absent or disrupted protein product. Loss-of-function variants in AP3B1 are known to be pathogenic (PMID: 16507770, 23403622). The frequency data for this variant in the population databases is considered unreliable, as metrics indicate poor data quality at this position in the gnomAD database. This variant has not been reported in the literature in individuals affected with AP3B1-related conditions. For these reasons, this variant has been classified as Pathogenic.

Literature cited by the submitters: PubMed 16507770; PubMed 23403622.